The following is an entry in ClinVar:

ClinVar aggregate classification (germline): Uncertain significance (1 of 4 stars; one submission).

Conditions:
Cardiovascular phenotype. Identifiers: MedGen CN230736.

Allele frequency attached by ClinVar (database versions not stated): gnomAD 0.00001; TOPMed 0.00002; ExAC 0.00003.
gnomAD v4.1: 16 of 1,491,680 alleles (0.0011%); highest among the groups gnomAD compares: East Asian, 0.035%; no homozygotes.

Submission:

Ambry Genetics
Classification: Uncertain significance for Cardiovascular phenotype. Last evaluated: 2019-08-29. Review status: criteria provided, single submitter. Criteria: Ambry Variant Classification Scheme 2023. Collection method: clinical testing. Allele origin: germline.
Comment: The p.G24329D variant (also known as c.72986G>A), located in coding exon 184 of the TTN gene, results from a G to A substitution at nucleotide position 72986. The glycine at codon 24329 is replaced by aspartic acid, an amino acid with similar properties. This amino acid position is not well conserved in available vertebrate species. In addition, this alteration is predicted to be tolerated by in silico analysis. Since supporting evidence is limited at this time, the clinical significance of this alteration remains unclear.

NM_001267550.2(TTN):c.100181G>A (p.Gly33394Asp)

Genes: TTN (titin; minus strand), TTN-AS1 (TTN antisense RNA 1; plus strand), LOC126806420 (BRD4-independent group 4 enhancer GRCh37_chr2:179401104-179402303; plus strand). Cytogenetic location: 2q31.2.
Variant type: single nucleotide variant.
Coding change: c.100181G>A on transcript NM_001267550.2 (MANE Select); coding-DNA position 100181, G replaced by A.
Protein change: p.Gly33394Asp; replaces glycine 33394 with aspartic acid.
Molecular consequence: missense variant.
Genome position (GRCh38, 1-based): chr2:178,536,566, C>T on the plus strand (G>A on the coding strand, the complement: TTN is on the minus strand). VCF-style: chr2-178536566-C-T. GRCh37 (hg19) VCF-style: chr2-179401293-C-T.
Other names: c.95258G>A, p.Gly31753Asp (NM_001256850.1); c.72986G>A, p.Gly24329Asp (NM_003319.4); c.92477G>A, p.Gly30826Asp (NM_133378.4); c.73361G>A, p.Gly24454Asp (NM_133432.3); c.73562G>A, p.Gly24521Asp (NM_133437.4); short protein forms G30826D, G24329D, G24454D, G31753D, G24521D, G33394D.
Identifiers: ClinVar variation 1758131 (VCV001758131.2), dbSNP rs770179598, ClinGen allele CA1986061.
Genomic context (GRCh38, chr2:178,536,566, plus strand): 5'-TTCCAGGCCACAACACAAGAATCTTTTGTGACAGCAGTAATAGTTGGTTTGCCAGGAGCA[C>T]CTGGCTTTTCTATTAAACAAAAAAAAGATTTGAGTCATGAGATGAAACAGGCAGCTTTAT-3'
Protein context (NP_001254479.2, residues 33384-33404): VIIKSPFEKP[Gly33394Asp]APGKPTITAV